The following is an entry in ClinVar:

NM_000336.3(SCNN1B):c.1825G>T (p.Ala609Ser)

Gene: SCNN1B (sodium channel epithelial 1 subunit beta; plus strand). Cytogenetic location: 16p12.2.
Variant type: single nucleotide variant.
Coding change: c.1825G>T on transcript NM_000336.3 (MANE Select); coding-DNA position 1825, G replaced by T.
Protein change: p.Ala609Ser; replaces alanine 609 with serine.
Molecular consequence: missense variant.
Genome position (GRCh38, 1-based): chr16:23,380,703, G>T. VCF-style: chr16-23380703-G-T. GRCh37 (hg19) VCF-style: chr16-23392024-G-T.
Other names: c.1717G>T, p.Ala573Ser (NM_001410900.1); short protein forms A573S, A609S.
Identifiers: ClinVar variation 3029622 (VCV003029622.2), dbSNP rs759225811, ClinGen allele CA7960653.
Genomic context (GRCh38, chr16:23,380,703, plus strand): 5'-GGCTTCCAGCCTGACACGGCCCCCCGCAGCCCCAACACTGGGCCCTACCCCAGTGAGCAG[G>T]CCCTGCCCATCCCAGGCACCCCGCCCCCCAACTATGACTCCCTGCGTCTGCAGCCGCTGG-3'
Protein context (NP_000327.2, residues 599-619): PNTGPYPSEQ[Ala609Ser]LPIPGTPPPN

ClinVar aggregate classification (germline): Uncertain significance (0 of 4 stars; one submission).

Conditions:
SCNN1B-related disorder. Also called: SCNN1B-related condition.

Allele frequency attached by ClinVar (database versions not stated): ExAC 0.00001; gnomAD 0.00001; TOPMed 0.00002; gnomAD exomes 0.00005.
gnomAD v4.1: 66 of 1,612,394 alleles (0.0041%); highest among the groups gnomAD compares: Non-Finnish European, 0.0056%; no homozygotes.

Submission:

PreventionGenetics, part of Exact Sciences
Classification: Uncertain significance for SCNN1B-related condition. Last evaluated: 2024-01-03. Review status: no assertion criteria provided. Collection method: clinical testing. Allele origin: germline.
Comment: The SCNN1B c.1825G>T variant is predicted to result in the amino acid substitution p.Ala609Ser. To our knowledge, this variant has not been reported in the literature. This variant is reported in 0.0024% of alleles in individuals of European (Non-Finnish) descent in gnomAD. At this time, the clinical significance of this variant is uncertain due to the absence of conclusive functional and genetic evidence.